The following is an entry in ClinVar:

ClinVar aggregate classification (germline): Benign/Likely benign. Review status: criteria provided, multiple submitters, no conflicts (2 of 4 stars). 4 submissions from 4 submitters: Benign (1); Likely benign (2). 1 of the submissions does not count toward it. Last evaluated 2026-01-27.

Conditions:
Fraser syndrome 3. Identifiers: MedGen C4540040, MONDO:0054739, OMIM 617667.
GRIP1-related disorder. Also called: GRIP1-related condition.

Allele frequency attached by ClinVar (database versions not stated): gnomAD 0.00002 and 0.00029; TOPMed 0.00008; gnomAD exomes 0.00065 and 0.00129; 1000 Genomes Project 0.00100; 1000 Genomes Project 30x 0.00125; ExAC 0.00156.
gnomAD v4.1: 990 of 1,613,948 alleles (0.061%); highest among the groups gnomAD compares: South Asian, 1%; 11 homozygotes.

Submissions (4):

Labcorp Genetics (formerly Invitae), Labcorp
Classification: Benign. Last evaluated: 2026-01-27. Review status: criteria provided, single submitter. Criteria: Invitae Variant Classification Sherloc (09022015). Collection method: clinical testing. Allele origin: germline.

Blueprint Genetics
Classification: Likely benign. Last evaluated: 2024-11-08. Review status: criteria provided, single submitter. Criteria: ACMG Guidelines, 2015. Collection method: clinical testing. Allele origin: germline.

Illumina Laboratory Services, Illumina
Classification: Likely benign for Fraser syndrome 3. Last evaluated: 2018-01-13. Review status: criteria provided, single submitter. Criteria: ICSL Variant Classification Criteria 13 December 2019. Collection method: clinical testing. Allele origin: germline.
Comment: This variant was observed in the ICSL laboratory as part of a predisposition screen in an ostensibly healthy population. It had not been previously curated by ICSL or reported in the Human Gene Mutation Database (HGMD: prior to June 1st, 2018), and was therefore a candidate for classification through an automated scoring system. Utilizing variant allele frequency, disease prevalence and penetrance estimates, and inheritance mode, an automated score was calculated to assess if this variant is too frequent to cause the disease. Based on the score and internal cut-off values, a variant classified as likely benign is not then subjected to further curation. The score for this variant resulted in a classification of likely benign for this disease.

PreventionGenetics, part of Exact Sciences
Classification: Benign for GRIP1-related condition. Last evaluated: 2019-06-13. Review status: no assertion criteria provided. Collection method: clinical testing. Allele origin: germline. Not counted in ClinVar's aggregate classification.
Comment: This variant is classified as benign based on ACMG/AMP sequence variant interpretation guidelines (Richards et al. 2015 PMID: 25741868, with internal and published modifications).

NM_001366722.1(GRIP1):c.1389G>A (p.Gly463=)

Gene: GRIP1 (glutamate receptor interacting protein 1; minus strand). Cytogenetic location: 12q14.3.
Variant type: single nucleotide variant.
Coding change: c.1389G>A on transcript NM_001366722.1 (MANE Select); coding-DNA position 1389, G replaced by A.
Protein change: p.Gly463=; no amino-acid change (glycine 463 retained).
Molecular consequence: synonymous variant.
Genome position (GRCh38, 1-based): chr12:66,445,474, C>T on the plus strand (G>A on the coding strand, the complement: GRIP1 is on the minus strand). VCF-style: chr12-66445474-C-T. GRCh37 (hg19) VCF-style: chr12-66839254-C-T.
Other names: c.1233G>A, p.Gly411= (NM_001178074.2, NM_021150.4); c.1308G>A, p.Gly436= (NM_001366723.1); c.1311G>A, p.Gly437= (NM_001366724.1).
Identifiers: ClinVar variation 310309 (VCV000310309.12), dbSNP rs200499586, ClinGen allele CA6674382.